The following is an entry in ClinVar:

NM_021076.4(NEFH):c.2720A>C (p.Glu907Ala)

Gene: NEFH (neurofilament heavy chain; plus strand). Cytogenetic location: 22q12.2.
Variant type: single nucleotide variant.
Coding change: c.2720A>C on transcript NM_021076.4 (MANE Select); coding-DNA position 2720, A replaced by C.
Protein change: p.Glu907Ala; replaces glutamic acid 907 with alanine.
Molecular consequence: missense variant.
Genome position (GRCh38, 1-based): chr22:29,490,360, A>C. VCF-style: chr22-29490360-A-C. GRCh37 (hg19) VCF-style: chr22-29886349-A-C.
Other names: short protein forms E907A.
Identifiers: ClinVar variation 2653053 (VCV002653053.24), dbSNP rs1397593014, ClinGen allele CA411138460.

ClinVar aggregate classification (germline): Uncertain significance (1 of 4 stars; one submission).

Allele frequency attached by ClinVar (database versions not stated): TOPMed below 0.00001.

Submission:

CeGaT Center for Human Genetics Tuebingen
Classification: Uncertain significance. Last evaluated: 2023-09-01. Review status: criteria provided, single submitter. Criteria: CeGaT Center For Human Genetics Tuebingen Variant Classification Criteria Version 2. Collection method: clinical testing. Allele origin: germline. Affected: yes. Observed: 1 variant allele.
Comment: NEFH: PM2, BP4